The following is an entry in ClinVar:

ClinVar aggregate classification (germline): Likely benign (0 of 4 stars; one submission).

Conditions:
PPFIA1-related disorder. Also called: PPFIA1-related condition.

Allele frequency attached by ClinVar (database versions not stated): gnomAD exomes 0.00007; 1000 Genomes Project 30x 0.00016; 1000 Genomes Project 0.00020; ExAC 0.00025; gnomAD 0.00070; TOPMed 0.00074; ESP Exome Variant Server 0.00100.
gnomAD v4.1: 217 of 1,609,570 alleles (0.013%); highest among the groups gnomAD compares: African/African-American, 0.23%; no homozygotes.

Submission:

PreventionGenetics, part of Exact Sciences
Classification: Likely benign for PPFIA1-related condition. Last evaluated: 2022-05-31. Review status: no assertion criteria provided. Collection method: clinical testing. Allele origin: germline.
Comment: This variant is classified as likely benign based on ACMG/AMP sequence variant interpretation guidelines (Richards et al. 2015 PMID: 25741868, with internal and published modifications).

NM_003626.5(PPFIA1):c.1085A>G (p.Asp362Gly)

Gene: PPFIA1 (PTPRF interacting protein alpha 1; plus strand). Cytogenetic location: 11q13.3.
Variant type: single nucleotide variant.
Coding change: c.1085A>G on transcript NM_003626.5 (MANE Select); coding-DNA position 1085, A replaced by G.
Protein change: p.Asp362Gly; replaces aspartic acid 362 with glycine.
Molecular consequence: missense variant. On other transcripts: non-coding transcript variant (1).
Genome position (GRCh38, 1-based): chr11:70,331,967, A>G. VCF-style: chr11-70331967-A-G. GRCh37 (hg19) VCF-style: chr11-70178073-A-G.
Other names: c.1085A>G, p.Asp362Gly (NM_001378006.1, NM_177423.3); short protein forms D362G.
Identifiers: ClinVar variation 3048088 (VCV003048088.2), dbSNP rs143350650, ClinGen allele CA6158871.
Genomic context (GRCh38, chr11:70,331,967, plus strand): 5'-ACTGATCAGCTAGAAGATTTGTTGCATTTTGATGCTTTGCTCTCATTTTATAGACTGAAG[A>G]TAAAAACCGCCAGTTACAGGAGCGCTTGGAATTGGCAGAGCAAAAGCTGCAACAGACACT-3'
Protein context (NP_003617.1, residues 352-372): NKDSMHRQTE[Asp362Gly]KNRQLQERLE